The following is an entry in ClinVar:

ClinVar aggregate classification (germline): Uncertain significance. Review status: criteria provided, multiple submitters, no conflicts (2 of 4 stars). 5 submissions from 5 submitters: Uncertain significance (5). Last evaluated 2026-05-01.

Conditions:
Charcot-Marie-Tooth disease type 4E (CHN1). Also called: Congenital hypomyelinating neuropathy 1, autosomal recessive; Congenital Hypomyelination; HYPOMYELINATION, SEVERE CONGENITAL; CHARCOT-MARIE-TOOTH DISEASE, DEMYELINATING, TYPE 4E; Hypomyelinating neuropathy, congenital, 1. Identifiers: Orphanet 99951, MedGen C4721436, MONDO:0011527, OMIM 605253.
Dejerine-Sottas disease. Also called: HMSN Type III; Hereditary motor and sensory neuropathy 3; Charcot-Marie-Tooth disease type 3; DEJERINE-SOTTAS NEUROPATHY; HEREDITARY MOTOR AND SENSORY NEUROPATHY TYPE III. Identifiers: Orphanet 64748, MedGen C0011195, MONDO:0007790, OMIM 145900.
Charcot-Marie-Tooth disease type 1D. Also called: CHARCOT-MARIE-TOOTH NEUROPATHY, TYPE 1D; HEREDITARY MOTOR AND SENSORY NEUROPATHY 1D; HMSN ID; Charcot-Marie-Tooth disease, demyelinating, type 1d. Identifiers: Orphanet 101084, MedGen C1843247, MONDO:0011890, OMIM 607678.
Charcot-Marie-Tooth disease, type I (CMT1). Also called: Charcot-Marie-Tooth, Type 1; Charcot-Marie-Tooth disease type 1. Identifiers: Orphanet 65753, MedGen C0751036, MONDO:0019011.

Submissions (5):

CeGaT Center for Human Genetics Tuebingen
Classification: Uncertain significance. Last evaluated: 2026-05-01. Review status: criteria provided, single submitter. Criteria: CeGaT Center For Human Genetics Tuebingen Variant Classification Criteria Version 2. Collection method: clinical testing. Allele origin: germline. Affected: yes. Observed: 1 variant allele.
Comment: EGR2: PM2, PM4

Labcorp Genetics (formerly Invitae), Labcorp
Classification: Uncertain significance for Charcot-Marie-Tooth disease, type I. Last evaluated: 2025-11-27. Review status: criteria provided, single submitter. Criteria: Invitae Variant Classification Sherloc (09022015). Collection method: clinical testing. Allele origin: germline.
Comment: This variant, c.922_927dup, results in the insertion of 2 amino acid(s) of the EGR2 protein (p.Ala308_Ala309dup), but otherwise preserves the integrity of the reading frame. This variant is present in population databases (rs753747037, gnomAD 0.01%). This variant has been observed in individual(s) with clinical features of autosomal recessive congenital hypomyelinating neuropathy (PMID: 33600046). ClinVar contains an entry for this variant (Variation ID: 842568). Experimental studies and prediction algorithms are not available or were not evaluated, and the functional significance of this variant is currently unknown. In summary, the available evidence is currently insufficient to determine the role of this variant in disease. Therefore, it has been classified as a Variant of Uncertain Significance.

Women's Health and Genetics/Laboratory Corporation of America, LabCorp
Classification: Uncertain significance. Last evaluated: 2025-09-02. Review status: criteria provided, single submitter. Criteria: LabCorp Variant Classification Summary - May 2015. Collection method: clinical testing. Allele origin: germline.
Comment: Variant summary: EGR2 c.922_927dupGCCGCC (p.Ala308_Ala309dup) results in an in-frame duplication that is predicted to duplicate two amino acids into the encoded protein. The variant allele was found at a frequency of 6.2e-05 in 243670 control chromosomes. This frequency is not significantly higher than estimated for disease-causing variants in EGR2, allowing no conclusion about variant significance. c.922_927dupGCCGCC has been observed in individual(s) affected with EGR2-Related Disorders (example: Keller_2021). These report(s) do not provide unequivocal conclusions about association of the variant with EGR2-Related Disorders. To our knowledge, no experimental evidence demonstrating an impact on protein function has been reported. The following publication has been ascertained in the context of this evaluation (PMID: 33600046). ClinVar contains an entry for this variant (Variation ID: 842568). Based on the evidence outlined above, the variant was classified as uncertain significance.

GeneDx
Classification: Uncertain significance. Last evaluated: 2024-07-31. Review status: criteria provided, single submitter. Criteria: GeneDx Variant Classification Process June 2021. Collection method: clinical testing. Allele origin: germline.
Comment: Reported previously, as c.906_911dup, in the homozygous state as a variant of uncertain significance in an infant with severe infantile muscular atrophy (PMID: 33600046); In-frame insertion of 2 amino acids in a repetitive region with no known function; This variant is associated with the following publications: (PMID: 33600046)

Department of Pathology and Laboratory Medicine, Sinai Health System
Classification: Uncertain significance for Dejerine-Sottas disease; Charcot-Marie-Tooth disease type 4E; Charcot-Marie-Tooth disease type 1D. Last evaluated: 2022-02-01. Review status: criteria provided, single submitter. Criteria: ACMG Guidelines, 2015. Collection method: research. Allele origin: germline.

Literature cited by the submitters: PubMed 33600046 (cited by Labcorp Genetics (formerly Invitae), Labcorp and Women's Health and Genetics/Laboratory Corporation of America, LabCorp).

NM_000399.5(EGR2):c.910GCC[8] (p.Ala308_Ala309dup)

Gene: EGR2 (early growth response 2; minus strand). Cytogenetic location: 10q21.3.
Variant type: Microsatellite.
Coding change: c.910GCC[8] on transcript NM_000399.5 (MANE Select); eight copies in a row of the 3-base unit GCC starting at c.910; the reference has six copies in a row; two copies, 6 bases duplicated.
Protein change: p.Ala308_Ala309dup.
Molecular consequence: inframe insertion.
Genome position (GRCh38, 1-based): chr10:62,813,711-62,813,716, GGCGGC duplicated on the plus strand (GCCGCC on the coding strand, the reverse complement: EGR2 is on the minus strand); duplicating any 6 consecutive bases within chr10:62,813,711-62,813,728 gives the same sequence; the position shown is the placement nearest the transcript's 3' end. VCF-style (leftmost placement, unchanged base first): chr10-62813710-A-AGGCGGC. GRCh37 (hg19) VCF-style: chr10-64573470-A-AGGCGGC.
Other names: c.922_927dupGCCGCC (NM_000399.5); c.910GCC[8], p.Ala308_Ala309dup (NM_001136177.3, NM_001136178.2); c.760GCC[8], p.Ala258_Ala259dup (NM_001136179.3, NM_001321037.2).
Identifiers: ClinVar variation 842568 (VCV000842568.14), dbSNP rs753747037, ClinGen allele CA5517197.